The following is an entry in ClinVar:

NM_130839.5(UBE3A):c.2443G>A (p.Gly815Arg)

Genes: SNHG14 (small nucleolar RNA host gene 14; plus strand), UBE3A (ubiquitin protein ligase E3A; minus strand). Cytogenetic location: 15q11.2.
Variant type: single nucleotide variant.
Coding change: c.2443G>A on transcript NM_130839.5 (MANE Select); coding-DNA position 2443, G replaced by A.
Protein change: p.Gly815Arg; replaces glycine 815 with arginine.
Molecular consequence: missense variant. On other transcripts: non-coding transcript variant (1).
Genome position (GRCh38, 1-based): chr15:25,340,140, C>T on the plus strand (G>A on the coding strand, the complement: UBE3A is on the minus strand). VCF-style: chr15-25340140-C-T. GRCh37 (hg19) VCF-style: chr15-25585287-C-T.
Other names: c.2452G>A, p.Gly818Arg (NM_000462.5); c.2443G>A, p.Gly815Arg (NM_001354505.1, NM_001354538.2); c.2383G>A, p.Gly795Arg (NM_001354506.2, NM_001354507.2, NM_001354508.2 and 14 more transcripts); c.2287G>A, p.Gly763Arg (NM_001354545.2); c.2266G>A, p.Gly756Arg (NM_001354546.2); c.2227G>A, p.Gly743Arg (NM_001354547.2, NM_001354548.2); c.2218G>A, p.Gly740Arg (NM_001354549.2); c.1192G>A, p.Gly398Arg (NM_001354550.2); and 1 more; short protein forms G378R, G398R, G740R, G743R, G756R, G763R, G795R, G815R.
Identifiers: ClinVar variation 3766274 (VCV003766274.1).

ClinVar aggregate classification (germline): Uncertain significance (1 of 4 stars; one submission).

Submission:

GeneDx
Classification: Uncertain significance. Last evaluated: 2024-08-28. Review status: criteria provided, single submitter. Criteria: GeneDx Variant Classification Process June 2021. Collection method: clinical testing. Allele origin: germline. Affected: yes.
Comment: Not observed at significant frequency in large population cohorts (gnomAD); In silico analysis supports that this missense variant has a deleterious effect on protein structure/function; Has not been previously published as pathogenic or benign to our knowledge